The following is an entry in ClinVar:

ClinVar aggregate classification (germline): Uncertain significance (1 of 4 stars; one submission).

Submission:

Labcorp Genetics (formerly Invitae), Labcorp
Classification: Uncertain significance. Last evaluated: 2024-05-28. Review status: criteria provided, single submitter. Criteria: Invitae Variant Classification Sherloc (09022015). Collection method: clinical testing. Allele origin: germline.
Comment: This sequence change falls in intron 2 of the FGF17 gene. It does not directly change the encoded amino acid sequence of the FGF17 protein. It affects a nucleotide within the consensus splice site. This variant is present in population databases (rs370876306, gnomAD 0.02%). This variant has not been reported in the literature in individuals affected with FGF17-related conditions. Variants that disrupt the consensus splice site are a relatively common cause of aberrant splicing (PMID: 17576681, 9536098). Algorithms developed to predict the effect of sequence changes on RNA splicing suggest that this variant is not likely to affect RNA splicing. In summary, the available evidence is currently insufficient to determine the role of this variant in disease. Therefore, it has been classified as a Variant of Uncertain Significance.

Literature cited by the submitters: PubMed 17576681; PubMed 9536098.

NM_003867.4(FGF17):c.72+6C>T

Gene: FGF17 (fibroblast growth factor 17; plus strand). Cytogenetic location: 8p21.3.
Variant type: single nucleotide variant.
Coding change: c.72+6C>T on transcript NM_003867.4 (MANE Select); 6 bases into the intron after coding-DNA position 72, C replaced by T.
Molecular consequence: intron variant.
Genome position (GRCh38, 1-based): chr8:22,043,187, C>T. VCF-style: chr8-22043187-C-T. GRCh37 (hg19) VCF-style: chr8-21900698-C-T.
Other names: c.72+6C>T (NM_001304478.1).
Identifiers: ClinVar variation 3624167 (VCV003624167.2).